The following is an entry in ClinVar:

ClinVar aggregate classification (germline): Likely pathogenic (1 of 4 stars; one submission).

Conditions:
Autosomal recessive limb-girdle muscular dystrophy type 2O. Also called: Limb-Girdle Muscular Dystrophy Type 3C; MUSCULAR DYSTROPHY-DYSTROGLYCANOPATHY (LIMB-GIRDLE), TYPE C, 3; MUSCULAR DYSTROPHY-DYSTROGLYCANOPATHY, LIMB-GIRDLE, POMGNT1-RELATED. Identifiers: Orphanet 206564, MedGen C3150417, MONDO:0013161, OMIM 613157.
Muscular dystrophy-dystroglycanopathy (congenital with impaired intellectual development), type B, 3. Also called: MUSCULAR DYSTROPHY, CONGENITAL, POMGNT1-RELATED; Muscular dystrophy-dystroglycanopathy (congenital with intellectual disability), type B3. Identifiers: MedGen C3150412, MONDO:0013155, OMIM 613151.

Submission:

Labcorp Genetics (formerly Invitae), Labcorp
Classification: Likely pathogenic for Autosomal recessive limb-girdle muscular dystrophy type 2O; Muscular dystrophy-dystroglycanopathy (congenital with impaired intellectual development), type B, 3. Last evaluated: 2023-05-26. Review status: criteria provided, single submitter. Criteria: Invitae Variant Classification Sherloc (09022015). Collection method: clinical testing. Allele origin: germline.
Comment: In summary, the currently available evidence indicates that the variant is pathogenic, but additional data are needed to prove that conclusively. Therefore, this variant has been classified as Likely Pathogenic. Algorithms developed to predict the effect of sequence changes on RNA splicing suggest that this variant may disrupt the consensus splice site. This variant has not been reported in the literature in individuals affected with POMGNT1-related conditions. This variant is not present in population databases (gnomAD no frequency). This sequence change affects a splice site in intron 13 of the POMGNT1 gene. It is expected to disrupt RNA splicing. Variants that disrupt the donor or acceptor splice site typically lead to a loss of protein function (PMID: 16199547), and loss-of-function variants in POMGNT1 are known to be pathogenic (PMID: 19299310, 20816175, 21447391, 26908613, 27391550).

Literature cited by the submitters: PubMed 16199547; PubMed 19299310; PubMed 20816175; PubMed 21447391; PubMed 26908613; PubMed 27391550.

NM_017739.4(POMGNT1):c.1153-4_1153-1del

Genes: POMGNT1 (protein O-linked mannose N-acetylglucosaminyltransferase 1 (beta 1,2-); minus strand), TSPAN1 (tetraspanin 1; plus strand). Cytogenetic location: 1p34.1.
Variant type: Deletion.
Coding change: c.1153-4_1153-1del on transcript NM_017739.4 (MANE Select); 4 bases into the intron before coding-DNA position 1153 through the canonical splice acceptor site of the intron before coding-DNA position 1153, 4 bases deleted (CTAG; older notation c.1153-4_1153-1delCTAG).
Molecular consequence: splice acceptor variant.
Genome position (GRCh38, 1-based): chr1:46,192,959-46,192,962, CTAG deleted on the plus strand (CTAG on the coding strand, the reverse complement: POMGNT1 is on the minus strand). VCF-style (leftmost placement, unchanged base first): chr1-46192958-CCTAG-C. GRCh37 (hg19) VCF-style: chr1-46658630-CCTAG-C.
Other names: c.1153-4_1153-1del (NM_001243766.2, NM_001438686.1, NM_001438688.1 and 3 more transcripts); c.1087-4_1087-1del (NM_001290129.3, NM_001438691.1, NM_001438692.1); c.724-4_724-1del (NM_001290130.2).
Identifiers: ClinVar variation 2945297 (VCV002945297.3), dbSNP rs2525398475, ClinGen allele CA2740090701.